The following is an entry in ClinVar:

ClinVar aggregate classification (germline): Uncertain significance. Review status: criteria provided, multiple submitters, no conflicts (2 of 4 stars). 2 submissions from 2 submitters: Uncertain significance (2). Last evaluated 2026-06-22.

Conditions:
Inborn genetic diseases. Identifiers: MedGen C0950123, MeSH D030342.

Submissions (2):

Ambry Genetics
Classification: Uncertain significance for Inborn genetic diseases. Last evaluated: 2026-06-22. Review status: criteria provided, single submitter. Criteria: Ambry Variant Classification Scheme 2023. Collection method: clinical testing. Allele origin: germline.
Comment: The p.N1316K variant (also known as c.3948C>A), located in coding exon 1 of the SAMD9 gene, results from a C to A substitution at nucleotide position 3948. The asparagine at codon 1316 is replaced by lysine, an amino acid with similar properties. This amino acid position is conserved. In addition, this alteration is predicted to be tolerated by in silico analysis. Based on the available evidence, the clinical significance of this variant remains unclear.

Labcorp Genetics (formerly Invitae), Labcorp
Classification: Uncertain significance. Last evaluated: 2022-07-22. Review status: criteria provided, single submitter. Criteria: Invitae Variant Classification Sherloc (09022015). Collection method: clinical testing. Allele origin: germline.
Comment: In summary, the available evidence is currently insufficient to determine the role of this variant in disease. Therefore, it has been classified as a Variant of Uncertain Significance. Algorithms developed to predict the effect of missense changes on protein structure and function (SIFT, PolyPhen-2, Align-GVGD) all suggest that this variant is likely to be tolerated. This variant has not been reported in the literature in individuals affected with SAMD9-related conditions. This variant is not present in population databases (gnomAD no frequency). This sequence change replaces asparagine, which is neutral and polar, with lysine, which is basic and polar, at codon 1316 of the SAMD9 protein (p.Asn1316Lys).

NM_017654.4(SAMD9):c.3948C>A (p.Asn1316Lys)

Gene: SAMD9 (sterile alpha motif domain containing 9; minus strand). Cytogenetic location: 7q21.2.
Variant type: single nucleotide variant.
Coding change: c.3948C>A on transcript NM_017654.4 (MANE Select); coding-DNA position 3948, C replaced by A.
Protein change: p.Asn1316Lys; replaces asparagine 1316 with lysine.
Molecular consequence: missense variant.
Genome position (GRCh38, 1-based): chr7:93,102,150, G>T on the plus strand (C>A on the coding strand, the complement: SAMD9 is on the minus strand). VCF-style: chr7-93102150-G-T. GRCh37 (hg19) VCF-style: chr7-92731463-G-T.
Other names: c.3948C>A (NM_017654.3); c.3948C>A, p.Asn1316Lys (NM_001193307.2); short protein forms N1316K.
Identifiers: ClinVar variation 1713319 (VCV001713319.6), dbSNP rs2535354371, ClinGen allele CA368181611.
Genomic context (GRCh38, chr7:93,102,150, plus strand): 5'-TAGGTTTCTCCTGCATCTCTCTACTTGAAGTGGCTCACTGAACTTTGATCCAAGACCTGT[G>T]TTGTTTTGTGATTCTTCTAAGAGACAAAATATATCTACATATTTCTTAAAATATCCAGCC-3'
Protein context (NP_060124.2, residues 1306-1326): IFCLLEESQN[Asn1316Lys]TGLGSKFSEP